The following is an entry in ClinVar:

ClinVar aggregate classification (germline): Likely benign (0 of 4 stars; one submission).

Conditions:
CPT1B-related disorder. Also called: CPT1B-related condition.

Allele frequency attached by ClinVar (database versions not stated): 1000 Genomes Project 30x 0.00016.
gnomAD v4.1: 193 of 1,600,726 alleles (0.012%); highest among the groups gnomAD compares: Admixed American, 0.3%; no homozygotes.

Submission:

PreventionGenetics, part of Exact Sciences
Classification: Likely benign for CPT1B-related condition. Last evaluated: 2022-02-28. Review status: no assertion criteria provided. Collection method: clinical testing. Allele origin: germline.
Comment: This variant is classified as likely benign based on ACMG/AMP sequence variant interpretation guidelines (Richards et al. 2015 PMID: 25741868, with internal and published modifications).

NM_152246.3(CPT1B):c.560G>A (p.Arg187Gln)

Genes: CHKB-CPT1B (CHKB-CPT1B readthrough (NMD candidate); minus strand), CPT1B (carnitine palmitoyltransferase 1B; minus strand). Cytogenetic location: 22q13.33.
Variant type: single nucleotide variant.
Coding change: c.560G>A on transcript NM_152246.3 (MANE Select); coding-DNA position 560, G replaced by A.
Protein change: p.Arg187Gln; replaces arginine 187 with glutamine.
Molecular consequence: missense variant. On other transcripts: non-coding transcript variant (1), intron variant (1).
Genome position (GRCh38, 1-based): chr22:50,576,537, C>T on the plus strand (G>A on the coding strand, the complement: CPT1B is on the minus strand). VCF-style: chr22-50576537-C-T. GRCh37 (hg19) VCF-style: chr22-51014966-C-T.
Other names: c.560G>A, p.Arg187Gln (NM_001145135.2, NM_001145137.2, NM_004377.4 and 1 more transcripts); c.460-202G>A (NM_001145134.2); short protein forms R187Q.
Identifiers: ClinVar variation 3047704 (VCV003047704.2), dbSNP rs147502032, ClinGen allele CA10323228.